The following is an entry in ClinVar:

NM_003227.4(TFR2):c.960T>G (p.Tyr320Ter)

Gene: TFR2 (transferrin receptor 2; minus strand). Cytogenetic location: 7q22.1.
Variant type: single nucleotide variant.
Coding change: c.960T>G on transcript NM_003227.4 (MANE Select); coding-DNA position 960, T replaced by G.
Protein change: p.Tyr320Ter; replaces tyrosine 320 with a stop codon.
Molecular consequence: nonsense.
Genome position (GRCh38, 1-based): chr7:100,632,088, A>C on the plus strand (T>G on the coding strand, the complement: TFR2 is on the minus strand). VCF-style: chr7-100632088-A-C. GRCh37 (hg19) VCF-style: chr7-100229711-A-C.
Other names: c.447T>G, p.Tyr149Ter (NM_001206855.3); short protein forms Y320*, Y149*.
Identifiers: ClinVar variation 1452584 (VCV001452584.6), dbSNP rs1584459683, ClinGen allele CA368532543.

ClinVar aggregate classification (germline): Pathogenic (1 of 4 stars; one submission).

Conditions:
Hereditary hemochromatosis (HFE). Identifiers: MedGen C0392514, MONDO:0006507. Disease mechanism: loss of function.

Submission:

Labcorp Genetics (formerly Invitae), Labcorp
Classification: Pathogenic for Hereditary hemochromatosis. Last evaluated: 2021-01-31. Review status: criteria provided, single submitter. Criteria: Invitae Variant Classification Sherloc (09022015). Collection method: clinical testing. Allele origin: germline.
Comment: This variant is not present in population databases (ExAC no frequency). This sequence change creates a premature translational stop signal (p.Tyr320*) in the TFR2 gene. It is expected to result in an absent or disrupted protein product. Loss-of-function variants in TFR2 are known to be pathogenic (PMID: 23600741, 26029709). For these reasons, this variant has been classified as Pathogenic. This variant has not been reported in the literature in individuals with TFR2-related conditions.

Literature cited by the submitters: PubMed 23600741; PubMed 26029709.